The following is an entry in ClinVar:

NM_177438.3(DICER1):c.205G>C (p.Gly69Arg)

Gene: DICER1 (dicer 1, ribonuclease III; minus strand). Cytogenetic location: 14q32.13.
Variant type: single nucleotide variant.
Coding change: c.205G>C on transcript NM_177438.3 (MANE Select); coding-DNA position 205, G replaced by C.
Protein change: p.Gly69Arg; replaces glycine 69 with arginine.
Molecular consequence: missense variant.
Genome position (GRCh38, 1-based): chr14:95,132,617, C>G on the plus strand (G>C on the coding strand, the complement: DICER1 is on the minus strand). VCF-style: chr14-95132617-C-G. GRCh37 (hg19) VCF-style: chr14-95598954-C-G.
Other names: c.205G>C, p.Gly69Arg (NM_001195573.1, NM_001271282.3, NM_001291628.2 and 1 more transcripts); short protein forms G69R.
Identifiers: ClinVar variation 820623 (VCV000820623.4), dbSNP rs1595466411, ClinGen allele CA390889986.

ClinVar aggregate classification (germline): Uncertain significance (1 of 4 stars; one submission).

Conditions:
Hereditary cancer-predisposing syndrome. Also called: Neoplastic Syndromes, Hereditary; Tumor predisposition; Hereditary Cancer Syndrome; Hereditary neoplastic syndrome. Identifiers: Orphanet 140162, MedGen C0027672, MeSH D009386, MONDO:0015356.

Allele frequency attached by ClinVar (database versions not stated): gnomAD exomes below 0.00001.
gnomAD v4.1: 1 of 1,613,946 alleles (0.000062%); highest among the groups gnomAD compares: Admixed American, 0.0017%; no homozygotes.

Submission:

Ambry Genetics
Classification: Uncertain significance for Hereditary cancer-predisposing syndrome. Last evaluated: 2019-11-06. Review status: criteria provided, single submitter. Criteria: Ambry Variant Classification Scheme 2023. Collection method: clinical testing. Allele origin: germline.
Comment: The p.G69R variant (also known as c.205G>C), located in coding exon 2 of the DICER1 gene, results from a G to C substitution at nucleotide position 205. The glycine at codon 69 is replaced by arginine, an amino acid with dissimilar properties. This amino acid position is highly conserved in available vertebrate species. In addition, this alteration is predicted to be deleterious by in silico analysis. Since supporting evidence is limited at this time, the clinical significance of this alteration remains unclear.